The following is an entry in ClinVar:

NM_001128227.3(GNE):c.80G>A (p.Arg27Gln)

Gene: GNE (glucosamine (UDP-N-acetyl)-2-epimerase/N-acetylmannosamine kinase; minus strand). Cytogenetic location: 9p13.3.
Variant type: single nucleotide variant.
Coding change: c.80G>A on transcript NM_001128227.3 (MANE Plus Clinical); coding-DNA position 80, G replaced by A.
Protein change: p.Arg27Gln; replaces arginine 27 with glutamine.
Molecular consequence: missense variant. On other transcripts: 5 prime UTR variant (3), intron variant (3).
Genome position (GRCh38, 1-based): chr9:36,249,369, C>T on the plus strand (G>A on the coding strand, the complement: GNE is on the minus strand). VCF-style: chr9-36249369-C-T. GRCh37 (hg19) VCF-style: chr9-36249366-C-T.
Other names: c.-14G>A (NM_001190383.3, NM_001374797.1, NM_005476.7); c.-13-2887G>A (NM_001190388.2, NM_001190384.3, NM_001374798.1); short protein forms R27Q.
Identifiers: ClinVar variation 1401168 (VCV001401168.6), dbSNP rs759799606, ClinGen allele CA5056782.

ClinVar aggregate classification (germline): Uncertain significance (1 of 4 stars; one submission).

Conditions:
Sialuria. Also called: SIALURIA, FRENCH TYPE; Sialic Acid Storage Disease. Identifiers: Orphanet 3166, MedGen C0342853, MONDO:0010028, OMIM 269921.
GNE myopathy (NM). Also called: INCLUSION BODY MYOPATHY, HEREDITARY, AUTOSOMAL RECESSIVE; INCLUSION BODY MYOPATHY 2, AUTOSOMAL RECESSIVE; IBM 2; Inclusion body myopathy autosomal recessive; Inclusion body myopathy quadriceps sparing; NONAKA DISTAL MYOPATHY. Identifiers: Orphanet 602, MedGen C1853926, MONDO:0011603, OMIM 605820.

Allele frequency attached by ClinVar (database versions not stated): gnomAD exomes 0.00001; TOPMed 0.00001; ExAC 0.00002; gnomAD 0.00003 and 0.00004.
gnomAD v4.1: 19 of 1,612,080 alleles (0.0012%); highest among the groups gnomAD compares: Non-Finnish European, 0.00042%; no homozygotes.

Submission:

Labcorp Genetics (formerly Invitae), Labcorp
Classification: Uncertain significance for Sialuria; GNE myopathy. Last evaluated: 2024-01-06. Review status: criteria provided, single submitter. Criteria: Invitae Variant Classification Sherloc (09022015). Collection method: clinical testing. Allele origin: germline.
Comment: This sequence change replaces arginine, which is basic and polar, with glutamine, which is neutral and polar, at codon 27 of the GNE protein (p.Arg27Gln). This variant is present in population databases (rs759799606, gnomAD 0.02%). This variant has not been reported in the literature in individuals affected with GNE-related conditions. ClinVar contains an entry for this variant (Variation ID: 1401168). Advanced modeling of protein sequence and biophysical properties (such as structural, functional, and spatial information, amino acid conservation, physicochemical variation, residue mobility, and thermodynamic stability) performed at Invitae indicates that this missense variant is not expected to disrupt GNE protein function with a negative predictive value of 95%. In summary, the available evidence is currently insufficient to determine the role of this variant in disease. Therefore, it has been classified as a Variant of Uncertain Significance.